The following is an entry in ClinVar:

ClinVar aggregate classification (germline): Uncertain significance. Review status: criteria provided, multiple submitters, no conflicts (2 of 4 stars). 2 submissions from 2 submitters: Uncertain significance (2). Last evaluated 2022-07-06.

Conditions:
Dilated cardiomyopathy 3B (CMD3B). Also called: CMD3B: DMD-Related Dilated Cardiomyopathy; CARDIOMYOPATHY, DILATED, X-LINKED; DMD-Associated Dilated Cardiomyopathy. Identifiers: Orphanet 154, MedGen C3668940, MONDO:0010542, OMIM 302045.
Duchenne muscular dystrophy (DMD). Also called: Duchenne Muscular Dystrophy (DMD); MUSCULAR DYSTROPHY, PSEUDOHYPERTROPHIC PROGRESSIVE, DUCHENNE TYPE. Identifiers: Orphanet 98896, MedGen C0013264, MONDO:0010679, OMIM 310200.

Allele frequency attached by ClinVar (database versions not stated): gnomAD exomes below 0.00001 and 0.00001; gnomAD 0.00001.
gnomAD v4.1: 2 of 1,207,567 alleles (0.00017%); highest among the groups gnomAD compares: Admixed American, 0.0044%; no homozygotes.

Submissions (2):

Labcorp Genetics (formerly Invitae), Labcorp
Classification: Uncertain significance for Duchenne muscular dystrophy. Last evaluated: 2022-07-06. Review status: criteria provided, single submitter. Criteria: Invitae Variant Classification Sherloc (09022015). Collection method: clinical testing. Allele origin: germline.
Comment: This sequence change replaces arginine, which is basic and polar, with cysteine, which is neutral and slightly polar, at codon 3571 of the DMD protein (p.Arg3571Cys). This variant is present in population databases (no rsID available, gnomAD 0.004%). This variant has not been reported in the literature in individuals affected with DMD-related conditions. ClinVar contains an entry for this variant (Variation ID: 915146). Algorithms developed to predict the effect of missense changes on protein structure and function (SIFT, PolyPhen-2, Align-GVGD) all suggest that this variant is likely to be disruptive. In summary, the available evidence is currently insufficient to determine the role of this variant in disease. Therefore, it has been classified as a Variant of Uncertain Significance.

Illumina Laboratory Services, Illumina
Classification: Uncertain significance for Dilated cardiomyopathy 3B. Last evaluated: 2018-01-13. Review status: criteria provided, single submitter. Criteria: ICSL Variant Classification Criteria 13 December 2019. Collection method: clinical testing. Allele origin: germline.

NM_004006.3(DMD):c.10711C>T (p.Arg3571Cys)

Gene: DMD (dystrophin; minus strand). Cytogenetic location: Xp21.2.
Variant type: single nucleotide variant.
Coding change: c.10711C>T on transcript NM_004006.3 (MANE Select); coding-DNA position 10711, C replaced by T.
Protein change: p.Arg3571Cys; replaces arginine 3571 with cysteine.
Molecular consequence: missense variant.
Genome position (GRCh38, 1-based): chrX:31,147,361, G>A on the plus strand (C>T on the coding strand, the complement: DMD is on the minus strand). VCF-style: chrX-31147361-G-A. GRCh37 (hg19) VCF-style: chrX-31165478-G-A.
Other names: c.10687C>T, p.Arg3563Cys (NM_000109.4); c.10699C>T, p.Arg3567Cys (NM_004009.3); c.10342C>T, p.Arg3448Cys (NM_004010.3); c.6688C>T, p.Arg2230Cys (NM_004011.4); c.6679C>T, p.Arg2227Cys (NM_004012.4); c.3331C>T, p.Arg1111Cys (NM_004013.3, NM_004021.3); c.2524C>T, p.Arg842Cys (NM_004014.3); c.1507C>T, p.Arg503Cys (NM_004015.3, NM_004016.3); and 3 more; short protein forms R1111C, R3571C, R490C, R842C, R1001C, R503C, R3448C, R1098C.
Identifiers: ClinVar variation 915146 (VCV000915146.8), dbSNP rs1221893618, ClinGen allele CA412649175.